The following is an entry in ClinVar:

ClinVar aggregate classification (germline): Uncertain significance (1 of 4 stars; one submission).

Conditions:
Developmental and epileptic encephalopathy, 54. Also called: Epileptic encephalopathy, early infantile, 54; HNRNPU-Related Neurodevelopmental Disorder. Identifiers: MedGen C4479319, MONDO:0033363, OMIM 617391.

gnomAD v4.1: 1 of 1,608,756 alleles (0.000062%); highest among the groups gnomAD compares: Non-Finnish European, 0.000085%; no homozygotes.

Submission:

Labcorp Genetics (formerly Invitae), Labcorp
Classification: Uncertain significance for Developmental and epileptic encephalopathy, 54. Last evaluated: 2025-06-11. Review status: criteria provided, single submitter. Criteria: Invitae Variant Classification Sherloc (09022015). Collection method: clinical testing. Allele origin: germline.
Comment: This sequence change replaces proline, which is neutral and non-polar, with serine, which is neutral and polar, at codon 165 of the HNRNPU protein (p.Pro165Ser). This variant is not present in population databases (gnomAD no frequency). This variant has not been reported in the literature in individuals affected with HNRNPU-related conditions. Invitae Evidence Modeling of protein sequence and biophysical properties (such as structural, functional, and spatial information, amino acid conservation, physicochemical variation, residue mobility, and thermodynamic stability) indicates that this missense variant is not expected to disrupt HNRNPU protein function with a negative predictive value of 95%. In summary, the available evidence is currently insufficient to determine the role of this variant in disease. Therefore, it has been classified as a Variant of Uncertain Significance.

NM_031844.3(HNRNPU):c.493C>T (p.Pro165Ser)

Gene: HNRNPU (heterogeneous nuclear ribonucleoprotein U; minus strand). Cytogenetic location: 1q44.
Variant type: single nucleotide variant.
Coding change: c.493C>T on transcript NM_031844.3 (MANE Select); coding-DNA position 493, C replaced by T.
Protein change: p.Pro165Ser; replaces proline 165 with serine.
Molecular consequence: missense variant.
Genome position (GRCh38, 1-based): chr1:244,863,815, G>A on the plus strand (C>T on the coding strand, the complement: HNRNPU is on the minus strand). VCF-style: chr1-244863815-G-A. GRCh37 (hg19) VCF-style: chr1-245027117-G-A.
Other names: c.493C>T, p.Pro165Ser (NM_004501.3); short protein forms P165S.
Identifiers: ClinVar variation 4773307 (VCV004773307.1).